The following is an entry in ClinVar:

ClinVar aggregate classification (germline): Likely benign (1 of 4 stars; one submission).

gnomAD v4.1: 51 of 1,543,434 alleles (0.0033%); highest among the groups gnomAD compares: Non-Finnish European, 0.0044%; no homozygotes.

Submission:

CeGaT Center for Human Genetics Tuebingen
Classification: Likely benign. Last evaluated: 2025-07-01. Review status: criteria provided, single submitter. Criteria: CeGaT Center For Human Genetics Tuebingen Variant Classification Criteria Version 2. Collection method: clinical testing. Allele origin: germline. Affected: yes. Observed: 1 variant allele.
Comment: RORA: BP4, BP7

NM_134261.3(RORA):c.78C>T (p.Ser26=)

Gene: RORA (RAR related orphan receptor A; minus strand). Cytogenetic location: 15q22.2.
Variant type: single nucleotide variant.
Coding change: c.78C>T on transcript NM_134261.3 (MANE Select); coding-DNA position 78, C replaced by T.
Protein change: p.Ser26=; no amino-acid change (serine 26 retained).
Molecular consequence: synonymous variant.
Genome position (GRCh38, 1-based): chr15:61,229,141, G>A on the plus strand (C>T on the coding strand, the complement: RORA is on the minus strand). VCF-style: chr15-61229141-G-A. GRCh37 (hg19) VCF-style: chr15-61521340-G-A.
Identifiers: ClinVar variation 4084326 (VCV004084326.8).